The following is an entry in ClinVar:

ClinVar aggregate classification (germline): Uncertain significance. Review status: criteria provided, multiple submitters, no conflicts (2 of 4 stars). 2 submissions from 2 submitters: Uncertain significance (2). Last evaluated 2024-05-10.

Conditions:
Combined malonic and methylmalonic acidemia. Identifiers: Orphanet 289504, MedGen C3280314, MONDO:0013661, OMIM 614265.
Inborn genetic diseases. Identifiers: MedGen C0950123, MeSH D030342.

gnomAD v4.1: 21 of 1,613,990 alleles (0.0013%); highest among the groups gnomAD compares: Non-Finnish European, 0.0018%; no homozygotes.

Submissions (2):

Ambry Genetics
Classification: Uncertain significance for Inborn genetic diseases. Last evaluated: 2024-05-10. Review status: criteria provided, single submitter. Criteria: Ambry Variant Classification Scheme 2023. Collection method: clinical testing. Allele origin: germline.

Labcorp Genetics (formerly Invitae), Labcorp
Classification: Uncertain significance for Combined malonic and methylmalonic acidemia. Last evaluated: 2021-08-27. Review status: criteria provided, single submitter. Criteria: Invitae Variant Classification Sherloc (09022015). Collection method: clinical testing. Allele origin: germline.
Comment: This sequence change replaces glutamine with histidine at codon 133 of the ACSF3 protein (p.Gln133His). The glutamine residue is weakly conserved and there is a small physicochemical difference between glutamine and histidine. This variant is not present in population databases (ExAC no frequency). This variant has not been reported in the literature in individuals affected with ACSF3-related conditions. Algorithms developed to predict the effect of missense changes on protein structure and function are either unavailable or do not agree on the potential impact of this missense change (SIFT: "Deleterious"; PolyPhen-2: "Possibly Damaging"; Align-GVGD: "Class C0"). In summary, the available evidence is currently insufficient to determine the role of this variant in disease. Therefore, it has been classified as a Variant of Uncertain Significance.

NM_001243279.3(ACSF3):c.399G>C (p.Gln133His)

Gene: ACSF3 (acyl-CoA synthetase family member 3; plus strand). Cytogenetic location: 16q24.3.
Variant type: single nucleotide variant.
Coding change: c.399G>C on transcript NM_001243279.3 (MANE Select); coding-DNA position 399, G replaced by C.
Protein change: p.Gln133His; replaces glutamine 133 with histidine.
Molecular consequence: missense variant. On other transcripts: non-coding transcript variant (3), intron variant (1).
Genome position (GRCh38, 1-based): chr16:89,101,080, G>C. VCF-style: chr16-89101080-G-C. GRCh37 (hg19) VCF-style: chr16-89167488-G-C.
Other names: c.399G>C, p.Gln133His (NM_001127214.4, NM_174917.5); c.-129-1524G>C (NM_001284316.2); c.399G>C (NM_174917.3); short protein forms Q133H.
Identifiers: ClinVar variation 1474081 (VCV001474081.6), dbSNP rs370968781, ClinGen allele CA286445645.